The following is an entry in ClinVar:

NM_172351.3(CD46):c.176G>A (p.Arg59Gln)

Gene: CD46 (CD46 molecule; plus strand). Cytogenetic location: 1q32.2.
Variant type: single nucleotide variant.
Coding change: c.176G>A on transcript NM_172351.3 (MANE Select); coding-DNA position 176, G replaced by A.
Protein change: p.Arg59Gln; replaces arginine 59 with glutamine.
Molecular consequence: missense variant.
Genome position (GRCh38, 1-based): chr1:207,757,092, G>A. VCF-style: chr1-207757092-G-A. GRCh37 (hg19) VCF-style: chr1-207930437-G-A.
Other names: c.176G>A, p.Arg59Gln (NM_002389.4, NM_153826.4, NM_172350.3 and 8 more transcripts); short protein forms R59Q.
Identifiers: ClinVar variation 1953780 (VCV001953780.5), dbSNP rs780693519, ClinGen allele CA1371554.

ClinVar aggregate classification (germline): Uncertain significance (1 of 4 stars; one submission).

Allele frequency attached by ClinVar (database versions not stated): ExAC 0.00001; gnomAD exomes 0.00004; gnomAD 0.00003.

Submission:

Labcorp Genetics (formerly Invitae), Labcorp
Classification: Uncertain significance. Last evaluated: 2026-01-03. Review status: criteria provided, single submitter. Criteria: Invitae Variant Classification Sherloc (09022015). Collection method: clinical testing. Allele origin: germline.
Comment: This sequence change replaces arginine, which is basic and polar, with glutamine, which is neutral and polar, at codon 59 of the CD46 protein (p.Arg59Gln). This variant is present in population databases (rs780693519, gnomAD 0.01%). This variant has not been reported in the literature in individuals affected with CD46-related conditions. ClinVar contains an entry for this variant (Variation ID: 1953780). Invitae Evidence Modeling of protein sequence and biophysical properties (such as structural, functional, and spatial information, amino acid conservation, physicochemical variation, residue mobility, and thermodynamic stability) indicates that this missense variant is not expected to disrupt CD46 protein function with a negative predictive value of 80%. In summary, the available evidence is currently insufficient to determine the role of this variant in disease. Therefore, it has been classified as a Variant of Uncertain Significance.